The following is an entry in ClinVar:

NM_018121.4(SLF2):c.3255A>G (p.Ala1085=)

Gene: SLF2 (SMC5/6 complex localization factor 2; plus strand). Cytogenetic location: 10q24.31.
Variant type: single nucleotide variant.
Coding change: c.3255A>G on transcript NM_018121.4 (MANE Select); coding-DNA position 3255, A replaced by G.
Protein change: p.Ala1085=; no amino-acid change (alanine 1085 retained).
Molecular consequence: synonymous variant.
Genome position (GRCh38, 1-based): chr10:100,950,678, A>G. VCF-style: chr10-100950678-A-G. GRCh37 (hg19) VCF-style: chr10-102710435-A-G.
Other names: c.3255A>G, p.Ala1085= (NM_001136123.2).
Identifiers: ClinVar variation 4534641 (VCV004534641.6).

ClinVar aggregate classification (germline): Likely benign (1 of 4 stars; one submission).

gnomAD v4.1: 303 of 1,612,642 alleles (0.019%); highest among the groups gnomAD compares: Admixed American, 0.5%; 4 homozygotes.

Submission:

CeGaT Center for Human Genetics Tuebingen
Classification: Likely benign. Last evaluated: 2026-05-01. Review status: criteria provided, single submitter. Criteria: CeGaT Center For Human Genetics Tuebingen Variant Classification Criteria Version 2. Collection method: clinical testing. Allele origin: germline. Affected: yes. Observed: 4 variant alleles.
Comment: SLF2: BP4, BP7